The following is an entry in ClinVar:

NM_012434.5(SLC17A5):c.144dup (p.Gly49fs)

Gene: SLC17A5 (solute carrier family 17 member 5; minus strand). Cytogenetic location: 6q13.
Variant type: Duplication.
Coding change: c.144dup on transcript NM_012434.5 (MANE Select); coding-DNA position 144, one base duplicated (T; older notation c.144dupT).
Protein change: p.Gly49fs; shifts the reading frame from glycine 49.
Molecular consequence: frameshift variant. On other transcripts: intron variant (2).
Genome position (GRCh38, 1-based): chr6:73,644,554, A duplicated on the plus strand (T on the coding strand, the reverse complement: SLC17A5 is on the minus strand); the first of 6 consecutive A bases (chr6:73,644,554-73,644,559); duplicating any one gives the same sequence. VCF-style (leftmost placement, unchanged base first): chr6-73644553-C-CA. GRCh37 (hg19) VCF-style: chr6-74354276-C-CA.
Other names: c.144dup, p.Gly49fs (NM_001382630.1, NM_001382632.1, NM_001382633.1 and 2 more transcripts); c.165dup, p.Gly56fs (NM_001382631.1); c.61-2635dup (NM_001382636.1, NM_001382629.1); short protein forms G49fs, G56fs.
Identifiers: ClinVar variation 1072471 (VCV001072471.8), dbSNP rs1562000876, ClinGen allele CA2499218526.

ClinVar aggregate classification (germline): Pathogenic/Likely pathogenic. Review status: criteria provided, multiple submitters, no conflicts (2 of 4 stars). 2 submissions from 2 submitters: Pathogenic (1); Likely pathogenic (1). Last evaluated 2026-01-20.

Conditions:
Sialic acid storage disease, severe infantile type (ISSD). Also called: N-ACETYLNEURAMINIC ACID STORAGE DISEASE; NANA STORAGE DISEASE; SIALURIA, INFANTILE FORM; INFANTILE SIALIC ACID STORAGE DISORDER; Infantile Sialic Acid Storage Disease; Free sialic acid storage disease, infantile form. Identifiers: Orphanet 309324, Orphanet 834, MedGen C1096902, MONDO:0010027, OMIM 269920.
Salla disease (SD). Also called: Sialuria, Finnish type; N-acetylneuraminic acid (NANA) storage disease (NSD); Infantile sialic acid storage disorder (ISSD); Less Severe FSASD (Salla Disease). Identifiers: Orphanet 309334, Orphanet 834, MedGen C1096903, MONDO:0011449, OMIM 604369.

Submissions (2):

Labcorp Genetics (formerly Invitae), Labcorp
Classification: Pathogenic for Salla disease. Last evaluated: 2026-01-20. Review status: criteria provided, single submitter. Criteria: Invitae Variant Classification Sherloc (09022015). Collection method: clinical testing. Allele origin: germline.
Comment: This sequence change creates a premature translational stop signal (p.Gly49Trpfs*29) in the SLC17A5 gene. It is expected to result in an absent or disrupted protein product. Loss-of-function variants in SLC17A5 are known to be pathogenic (PMID: 10581036, 10947946, 15172001). This variant is not present in population databases (gnomAD no frequency). This variant has not been reported in the literature in individuals affected with SLC17A5-related conditions. ClinVar contains an entry for this variant (Variation ID: 1072471). Algorithms developed to predict the effect of sequence changes on RNA splicing suggest that this variant may disrupt the consensus splice site. For these reasons, this variant has been classified as Pathogenic.

Fulgent Genetics
Classification: Likely pathogenic for Sialic acid storage disease, severe infantile type; Salla disease. Last evaluated: 2024-05-08. Review status: criteria provided, single submitter. Criteria: ACMG Guidelines, 2015. Collection method: clinical testing. Allele origin: germline.

Literature cited by the submitters: PubMed 10581036 (cited by Labcorp Genetics (formerly Invitae), Labcorp); PubMed 10947946 (cited by Labcorp Genetics (formerly Invitae), Labcorp); PubMed 15172001 (cited by Labcorp Genetics (formerly Invitae), Labcorp).